The following is an entry in ClinVar:

NM_001267550.2(TTN):c.9292C>G (p.Gln3098Glu)

Gene: TTN (titin; minus strand). Cytogenetic location: 2q31.2.
Variant type: single nucleotide variant.
Coding change: c.9292C>G on transcript NM_001267550.2 (MANE Select); coding-DNA position 9292, C replaced by G.
Protein change: p.Gln3098Glu; replaces glutamine 3098 with glutamic acid.
Molecular consequence: missense variant.
Genome position (GRCh38, 1-based): chr2:178,768,027, G>C on the plus strand (C>G on the coding strand, the complement: TTN is on the minus strand). VCF-style: chr2-178768027-G-C. GRCh37 (hg19) VCF-style: chr2-179632754-G-C.
Other names: c.9292C>G, p.Gln3098Glu (NM_001256850.1, NM_133378.4, NM_133379.5); c.9154C>G, p.Gln3052Glu (NM_003319.4, NM_133432.3, NM_133437.4); short protein forms Q3052E, Q3098E.
Identifiers: ClinVar variation 2651715 (VCV002651715.24), dbSNP rs1343017987, ClinGen allele CA349675484.

ClinVar aggregate classification (germline): Uncertain significance (1 of 4 stars; one submission).

Allele frequency attached by ClinVar (database versions not stated): gnomAD exomes below 0.00001.
gnomAD v4.1: 5 of 1,614,142 alleles (0.00031%); highest among the groups gnomAD compares: Non-Finnish European, 0.00042%; no homozygotes.

Submission:

CeGaT Center for Human Genetics Tuebingen
Classification: Uncertain significance. Last evaluated: 2023-08-01. Review status: criteria provided, single submitter. Criteria: CeGaT Center For Human Genetics Tuebingen Variant Classification Criteria Version 2. Collection method: clinical testing. Allele origin: germline. Affected: yes. Observed: 1 variant allele.
Comment: TTN: PM2, BP4